The following is an entry in ClinVar:

ClinVar aggregate classification (germline): Pathogenic (1 of 4 stars; one submission).

Conditions:
Charlevoix-Saguenay spastic ataxia (SACS). Also called: SPASTIC ATAXIA 6, AUTOSOMAL RECESSIVE; AUTOSOMAL RECESSIVE SPASTIC ATAXIA OF CHARLEVOIX-SAGUENAY; Spastic ataxia of Charlevoix-Saguenay. Identifiers: Orphanet 98, MedGen C1849140, MONDO:0010041, OMIM 270550.

Submission:

Myriad Genetics, Inc.
Classification: Pathogenic for Charlevoix-Saguenay spastic ataxia. Last evaluated: 2025-06-02. Review status: criteria provided, single submitter. Criteria: Myriad Autosomal Dominant, Autosomal Recessive and X-Linked Classification Criteria (2023). Collection method: clinical testing. Allele origin: unknown.
Comment: NM_014363.4(SACS):c.9872delA(N3291Tfs*34) is a frameshift variant classified as pathogenic in the context of autosomal recessive spastic ataxia of Charlevoix-Saguenay. N3291Tfs*34 has not been observed in cases with relevant disease. Relevant functional assessments of this variant are not available in the literature. N3291Tfs*34 has not been observed in referenced population frequency databases. In summary, NM_014363.4(SACS):c.9872delA(N3291Tfs*34) is a frameshift variant in a gene where loss of function is a known mechanism of disease and is predicted to disrupt protein function. Please note: this variant was assessed in the context of healthy population screening.

NM_014363.6(SACS):c.9872del (p.Asn3291fs)

Gene: SACS (sacsin molecular chaperone; minus strand). Cytogenetic location: 13q12.12.
Variant type: Deletion.
Coding change: c.9872del on transcript NM_014363.6 (MANE Select); coding-DNA position 9872, one base deleted (A; older notation c.9872delA).
Protein change: p.Asn3291fs; shifts the reading frame from asparagine 3291.
Molecular consequence: frameshift variant.
Genome position (GRCh38, 1-based): chr13:23,334,004, T deleted on the plus strand (A on the coding strand, the reverse complement: SACS is on the minus strand); the first of 2 consecutive T bases (chr13:23,334,004-23,334,005); deleting either gives the same sequence. VCF-style (leftmost placement, unchanged base first): chr13-23334003-GT-G. GRCh37 (hg19) VCF-style: chr13-23908142-GT-G.
Other names: c.9431del, p.Asn3144fs (NM_001278055.2); c.9899del, p.Asn3300fs (NM_001437336.1); short protein forms N3144fs, N3291fs, N3300fs.
Identifiers: ClinVar variation 4081782 (VCV004081782.1).